The following is an entry in ClinVar:

NM_000814.6(GABRB3):c.549C>T (p.Gly183=)

Gene: GABRB3 (gamma-aminobutyric acid type A receptor subunit beta3; minus strand). Cytogenetic location: 15q12.
Variant type: single nucleotide variant.
Coding change: c.549C>T on transcript NM_000814.6 (MANE Select); coding-DNA position 549, C replaced by T.
Protein change: p.Gly183=; no amino-acid change (glycine 183 retained).
Molecular consequence: synonymous variant.
Genome position (GRCh38, 1-based): chr15:26,580,452, G>A on the plus strand (C>T on the coding strand, the complement: GABRB3 is on the minus strand). VCF-style: chr15-26580452-G-A. GRCh37 (hg19) VCF-style: chr15-26825599-G-A.
Other names: c.294C>T, p.Gly98= (NM_001191320.2, NM_001278631.2); c.336C>T, p.Gly112= (NM_001191321.3); c.549C>T, p.Gly183= (NM_021912.5).
Identifiers: ClinVar variation 1583293 (VCV001583293.29), dbSNP rs780056442, ClinGen allele CA7437407.
Genomic context (GRCh38, chr15:26,580,452, plus strand): 5'-CACTCCGGTAACAGCCTTGTCCCCGCCTCGCCAGTAAAACTCAATGTCATCCGTGGTGTA[G>A]CCATCTGCCAAGAGAGAAGCAGGGAGACAGCAAACATCACCATTTCGTATAAATGCACGG-3'
Protein context (NP_000805.1, residues 173-193): QNCTLEIESY[Gly183=]YTTDDIEFYW

ClinVar aggregate classification (germline): Likely benign. Review status: criteria provided, multiple submitters, no conflicts (2 of 4 stars). 3 submissions from 3 submitters: Likely benign (3). Last evaluated 2024-11-07.

Conditions:
Epilepsy, childhood absence, susceptibility to, 5. Identifiers: Orphanet 64280, MedGen C2677087, MONDO:0012843, OMIM 612269.
Epilepsy, childhood absence, susceptibility to, 1. Also called: Epilepsy, childhood absence 1. Identifiers: Orphanet 64280, MedGen C1838604, MONDO:0020759, OMIM 600131.

Allele frequency attached by ClinVar (database versions not stated): ExAC 0.00002; gnomAD exomes 0.00002; gnomAD 0.00003 and 0.00004; TOPMed 0.00003.
gnomAD v4.1: 38 of 1,614,046 alleles (0.0024%); highest among the groups gnomAD compares: Non-Finnish European, 0.0032%; no homozygotes.

Submissions (3):

Labcorp Genetics (formerly Invitae), Labcorp
Classification: Likely benign for Epilepsy, childhood absence, susceptibility to, 5; Epilepsy, childhood absence, susceptibility to, 1. Last evaluated: 2024-11-07. Review status: criteria provided, single submitter. Criteria: Invitae Variant Classification Sherloc (09022015). Collection method: clinical testing. Allele origin: germline.

CeGaT Center for Human Genetics Tuebingen
Classification: Likely benign. Last evaluated: 2024-04-01. Review status: criteria provided, single submitter. Criteria: CeGaT Center For Human Genetics Tuebingen Variant Classification Criteria Version 2. Collection method: clinical testing. Allele origin: germline. Affected: yes. Observed: 1 variant allele.
Comment: GABRB3: BP4, BP7

Blueprint Genetics
Classification: Likely benign. Last evaluated: 2023-09-21. Review status: criteria provided, single submitter. Criteria: ACMG Guidelines, 2015. Collection method: clinical testing. Allele origin: germline.